The following is an entry in ClinVar:

NM_199420.4(POLQ):c.5453C>G (p.Ala1818Gly)

Gene: POLQ (DNA polymerase theta; minus strand). Cytogenetic location: 3q13.33.
Variant type: single nucleotide variant.
Coding change: c.5453C>G on transcript NM_199420.4 (MANE Select); coding-DNA position 5453, C replaced by G.
Protein change: p.Ala1818Gly; replaces alanine 1818 with glycine.
Molecular consequence: missense variant.
Genome position (GRCh38, 1-based): chr3:121,487,478, G>C on the plus strand (C>G on the coding strand, the complement: POLQ is on the minus strand). VCF-style: chr3-121487478-G-C. GRCh37 (hg19) VCF-style: chr3-121206325-G-C.
Other names: short protein forms A1818G.
Identifiers: ClinVar variation 1747623 (VCV001747623.2), dbSNP rs2546784727, ClinGen allele CA354090151.

ClinVar aggregate classification (germline): Uncertain significance (1 of 4 stars; one submission).

Submission:

Ambry Genetics
Classification: Uncertain significance. Last evaluated: 2021-11-04. Review status: criteria provided, single submitter. Criteria: Ambry Variant Classification Scheme 2023. Collection method: clinical testing. Allele origin: germline.
Comment: The p.A1818G variant (also known as c.5453C>G), located in coding exon 16 of the POLQ gene, results from a C to G substitution at nucleotide position 5453. The alanine at codon 1818 is replaced by glycine, an amino acid with similar properties. This amino acid position is conserved. In addition, this alteration is predicted to be tolerated by in silico analysis. Since supporting evidence is limited at this time, the clinical significance of this alteration remains unclear.